The following is an entry in ClinVar:

ClinVar aggregate classification (germline): Likely benign. Review status: criteria provided, multiple submitters, no conflicts (2 of 4 stars). 3 submissions from 3 submitters: Likely benign (2). 1 of the submissions does not count toward it. Last evaluated 2026-08-01.

Conditions:
CKAP2L-related disorder. Also called: CKAP2L-related condition.
Inborn genetic diseases. Identifiers: MedGen C0950123, MeSH D030342.

Allele frequency attached by ClinVar (database versions not stated): gnomAD exomes 0.00016; TOPMed 0.00019; gnomAD 0.00021; ESP Exome Variant Server 0.00023; ExAC 0.00032.
gnomAD v4.1: 277 of 1,614,024 alleles (0.017%); highest among the groups gnomAD compares: Non-Finnish European, 0.0039%; 2 homozygotes.

Submissions (3):

CeGaT Center for Human Genetics Tuebingen
Classification: Likely benign. Last evaluated: 2026-08-01. Review status: criteria provided, single submitter. Criteria: CeGaT Center For Human Genetics Tuebingen Variant Classification Criteria Version 2. Collection method: clinical testing. Allele origin: germline. Affected: yes. Observed: 1 variant allele.
Comment: CKAP2L: BP4

Ambry Genetics
Classification: Likely benign for Inborn genetic diseases. Last evaluated: 2024-12-23. Review status: criteria provided, single submitter. Criteria: Ambry Variant Classification Scheme 2023. Collection method: clinical testing. Allele origin: germline.

PreventionGenetics, part of Exact Sciences
Classification: Benign for CKAP2L-related condition. Last evaluated: 2019-07-10. Review status: no assertion criteria provided. Collection method: clinical testing. Allele origin: germline. Not counted in ClinVar's aggregate classification.
Comment: This variant is classified as benign based on ACMG/AMP sequence variant interpretation guidelines (Richards et al. 2015 PMID: 25741868, with internal and published modifications).

NM_152515.5(CKAP2L):c.1210A>G (p.Asn404Asp)

Gene: CKAP2L (cytoskeleton associated protein 2L; minus strand). Cytogenetic location: 2q14.1.
Variant type: single nucleotide variant.
Coding change: c.1210A>G on transcript NM_152515.5 (MANE Select); coding-DNA position 1210, A replaced by G.
Protein change: p.Asn404Asp; replaces asparagine 404 with aspartic acid.
Molecular consequence: missense variant.
Genome position (GRCh38, 1-based): chr2:112,756,161, T>C on the plus strand (A>G on the coding strand, the complement: CKAP2L is on the minus strand). VCF-style: chr2-112756161-T-C. GRCh37 (hg19) VCF-style: chr2-113513738-T-C.
Other names: c.1210A>G (NM_152515.3); c.715A>G, p.Asn239Asp (NM_001304361.2); short protein forms N239D, N404D.
Identifiers: ClinVar variation 3050867 (VCV003050867.4), dbSNP rs141509802, ClinGen allele CA1836704.